The following is an entry in ClinVar:

NM_000059.4(BRCA2):c.5808_5809del (p.Met1936fs)

Gene: BRCA2 (BRCA2 DNA repair associated; plus strand). Cytogenetic location: 13q13.1.
Variant type: Deletion.
Coding change: c.5808_5809del on transcript NM_000059.4 (MANE Select); coding-DNA positions 5808 to 5809, 2 bases deleted (GT; older notation c.5808_5809delGT).
Protein change: p.Met1936fs; shifts the reading frame from methionine 1936.
Molecular consequence: frameshift variant. On other transcripts: non-coding transcript variant (1), intron variant (2).
Genome position (GRCh38, 1-based): chr13:32,340,163-32,340,164, GT deleted; deleting any 2 consecutive bases within chr13:32,340,162-32,340,164 gives the same sequence; the c. name uses the placement nearest the transcript's 3' end. VCF-style (leftmost placement, unchanged base first): chr13-32340161-ATG-A. GRCh37 (hg19) VCF-style: chr13-32914298-ATG-A.
Other names: c.5808_5809del, p.Met1936fs (NM_001406719.1, NM_001406720.1); c.1910-4395_1910-4394del (NM_001406721.1); c.425-4395_425-4394del (NM_001406722.1); c.5808_5809delGT (NM_000059.4); short protein forms M1936fs.
Identifiers: ClinVar variation 3063906 (VCV003063906.1), dbSNP rs2548531803, ClinGen allele CA2740097657.

ClinVar aggregate classification (germline): Pathogenic (1 of 4 stars; one submission).

Conditions:
Hereditary breast ovarian cancer syndrome. Also called: Hereditary breast and/or ovarian cancer syndrome; Hereditary breast and ovarian cancer syndrome (HBOC); Breast and ovarian cancer; BRCA1- and BRCA2-Associated Hereditary Breast and Ovarian Cancer; Hereditary breast and ovarian cancer; Hereditary breast and ovarian cancer syndrome. Identifiers: Orphanet 145, MedGen C0677776, MeSH D061325, MONDO:0003582. Disease mechanism: loss of function.

Submission:

Women's Health and Genetics/Laboratory Corporation of America, LabCorp
Classification: Pathogenic for Hereditary breast ovarian cancer syndrome. Last evaluated: 2024-01-15. Review status: criteria provided, single submitter. Criteria: LabCorp Variant Classification Summary - May 2015. Collection method: clinical testing. Allele origin: germline.
Comment: Variant summary: BRCA2 c.5808_5809delGT (p.Met1936IlefsX8) results in a premature termination codon, predicted to cause absence of the protein due to nonsense mediated decay, which is a commonly known mechanism for disease. The variant was absent in 250760 control chromosomes (gnomAD). To our knowledge, no occurrence of c.5808_5809delGT in individuals affected with Hereditary Breast And Ovarian Cancer Syndrome and no experimental evidence demonstrating its impact on protein function have been reported. No submitters have cited clinical-significance assessments for this variant to ClinVar. Based on the evidence outlined above, the variant was classified as pathogenic.